The following is an entry in ClinVar:

NM_006231.4(POLE):c.2706+5G>C

Gene: POLE (DNA polymerase epsilon, catalytic subunit; minus strand). Cytogenetic location: 12q24.33.
Variant type: single nucleotide variant.
Coding change: c.2706+5G>C on transcript NM_006231.4 (MANE Select); 5 bases into the intron after coding-DNA position 2706, G replaced by C.
Molecular consequence: intron variant.
Genome position (GRCh38, 1-based): chr12:132,663,999, C>G on the plus strand (G>C on the coding strand, the complement: POLE is on the minus strand). VCF-style: chr12-132663999-C-G. GRCh37 (hg19) VCF-style: chr12-133240585-C-G.
Identifiers: ClinVar variation 838139 (VCV000838139.7), dbSNP rs375931088, ClinGen allele CA916082362.

ClinVar aggregate classification (germline): Uncertain significance (1 of 4 stars; one submission).

Submission:

Labcorp Genetics (formerly Invitae), Labcorp
Classification: Uncertain significance. Last evaluated: 2019-11-20. Review status: criteria provided, single submitter. Criteria: Invitae Variant Classification Sherloc (09022015). Collection method: clinical testing. Allele origin: germline.
Comment: In summary, the available evidence is currently insufficient to determine the role of this variant in disease. Therefore, it has been classified as a Variant of Uncertain Significance. Nucleotide substitutions within the consensus splice site are a relatively common cause of aberrant splicing (PMID: 17576681, 9536098). Algorithms developed to predict the effect of sequence changes on RNA splicing suggest that this variant may disrupt the consensus splice site, but this prediction has not been confirmed by published transcriptional studies. This variant has not been reported in the literature in individuals with POLE-related conditions. This variant is not present in population databases (ExAC no frequency). This sequence change falls in intron 23 of the POLE gene. It does not directly change the encoded amino acid sequence of the POLE protein, but it affects a nucleotide within the consensus splice site of the intron.

Literature cited by the submitters: PubMed 17576681; PubMed 9536098.